The following is an entry in ClinVar:

ClinVar aggregate classification (germline): Uncertain significance. Review status: criteria provided, multiple submitters, no conflicts (2 of 4 stars). 2 submissions from 2 submitters: Uncertain significance (2). Last evaluated 2025-06-23.

Conditions:
WNT7A-related disorder. Also called: WNT7A-related condition.
Inborn genetic diseases. Identifiers: MedGen C0950123, MeSH D030342.

Allele frequency attached by ClinVar (database versions not stated): ExAC 0.00002.

Submissions (2):

PreventionGenetics, part of Exact Sciences
Classification: Uncertain significance for WNT7A-related condition. Last evaluated: 2025-06-23. Review status: criteria provided, single submitter. Criteria: ACMG Guidelines, 2015. Collection method: clinical testing. Allele origin: germline.
Comment: The WNT7A c.371C>T variant is predicted to result in the amino acid substitution p.Thr124Ile. To our knowledge, this variant has not been reported in the literature. This variant is reported in 0.0047% of alleles in individuals of European (Non-Finnish) descent in gnomAD. At this time, the clinical significance of this variant is uncertain due to the absence of conclusive functional and genetic evidence.

Ambry Genetics
Classification: Uncertain significance for Inborn genetic diseases. Last evaluated: 2025-01-02. Review status: criteria provided, single submitter. Criteria: Ambry Variant Classification Scheme 2023. Collection method: clinical testing. Allele origin: germline.

NM_004625.4(WNT7A):c.371C>T (p.Thr124Ile)

Genes: WNT7A (Wnt family member 7A; minus strand), LOC126806608 (P300/CBP strongly-dependent group 1 enhancer GRCh37_chr3:13895244-13896443; plus strand). Cytogenetic location: 3p25.1.
Variant type: single nucleotide variant.
Coding change: c.371C>T on transcript NM_004625.4 (MANE Select); coding-DNA position 371, C replaced by T.
Protein change: p.Thr124Ile; replaces threonine 124 with isoleucine.
Molecular consequence: missense variant.
Genome position (GRCh38, 1-based): chr3:13,854,731, G>A on the plus strand (C>T on the coding strand, the complement: WNT7A is on the minus strand). VCF-style: chr3-13854731-G-A. GRCh37 (hg19) VCF-style: chr3-13896228-G-A.
Other names: short protein forms T124I.
Identifiers: ClinVar variation 3190747 (VCV003190747.3), dbSNP rs751287942, ClinGen allele CA2266460.
Genomic context (GRCh38, chr3:13,854,731, plus strand): 5'-TCCCGGTGGTACTGGCCTTGCTTCTCTTTGTCGCAGCCACAGTCGCTCAGGTTGCCCTGG[G>A]TACAGGCAGCTGTGATGGCGTGGGCCACGCCGGCGGCAATGATGGCGTAGGTGAACGCAG-3'
Protein context (NP_004616.2, residues 114-134): GVAHAITAAC[Thr124Ile]QGNLSDCGCD